The following is an entry in ClinVar:

NM_000069.3(CACNA1S):c.3054-5C>T

Gene: CACNA1S (calcium voltage-gated channel subunit alpha1 S; minus strand). Cytogenetic location: 1q32.1.
Variant type: single nucleotide variant.
Coding change: c.3054-5C>T on transcript NM_000069.3 (MANE Select); 5 bases into the intron before coding-DNA position 3054, C replaced by T.
Molecular consequence: intron variant.
Genome position (GRCh38, 1-based): chr1:201,061,473, G>A on the plus strand (C>T on the coding strand, the complement: CACNA1S is on the minus strand). VCF-style: chr1-201061473-G-A. GRCh37 (hg19) VCF-style: chr1-201030601-G-A.
Identifiers: ClinVar variation 3386340 (VCV003386340.1).

ClinVar aggregate classification (germline): Likely benign (1 of 4 stars; one submission).

Conditions:
Malignant hyperthermia, susceptibility to, 5 (MHS5). Also called: CACNA1S-Related Malignant Hyperthermia Susceptibility. Identifiers: Orphanet 423, MedGen C1866077, MONDO:0011163, OMIM 601887.

gnomAD v4.1: 1 of 1,613,248 alleles (0.000062%); highest among the groups gnomAD compares: Non-Finnish European, 0.000085%; no homozygotes.

Submission:

All of Us Research Program, National Institutes of Health
Classification: Likely benign for Malignant hyperthermia, susceptibility to, 5. Last evaluated: 2024-04-25. Review status: criteria provided, single submitter. Criteria: ACMG Guidelines, 2015. Collection method: clinical testing. Allele origin: germline. Inheritance: Autosomal dominant inheritance. Observed: 1 variant allele, 1 heterozygote.
Comment: This study involves interpretation of variants in research participants for the purpose of population health screening. Participant phenotype was not available at the time of variant classification. Additional details can be found in publication PMID: 35346344, PMCID: PMC8962531